The following is an entry in ClinVar:

ClinVar aggregate classification (germline): Uncertain significance. Review status: criteria provided, multiple submitters, no conflicts (2 of 4 stars). 2 submissions from 2 submitters: Uncertain significance (2). Last evaluated 2025-02-01.

Conditions:
Hereditary cancer-predisposing syndrome. Also called: Hereditary Cancer Syndrome; Hereditary neoplastic syndrome; Neoplastic Syndromes, Hereditary; Tumor predisposition. Identifiers: Orphanet 140162, MedGen C0027672, MeSH D009386, MONDO:0015356.
Fanconi anemia (FA). Also called: Fanconi's anemia. Identifiers: Orphanet 84, MedGen C0015625, MeSH D005199, MONDO:0019391.

Submissions (2):

Ambry Genetics
Classification: Uncertain significance for Hereditary cancer-predisposing syndrome. Last evaluated: 2025-02-01. Review status: criteria provided, single submitter. Criteria: Ambry Variant Classification Scheme 2023. Collection method: clinical testing. Allele origin: germline.
Comment: The p.V449A variant (also known as c.1346T>C), located in coding exon 13 of the FANCC gene, results from a T to C substitution at nucleotide position 1346. The valine at codon 449 is replaced by alanine, an amino acid with similar properties. This amino acid position is conserved. In addition, this alteration is predicted to be tolerated by in silico analysis. Based on the available evidence, the clinical significance of this variant remains unclear.

Labcorp Genetics (formerly Invitae), Labcorp
Classification: Uncertain significance for Fanconi anemia. Last evaluated: 2021-07-29. Review status: criteria provided, single submitter. Criteria: Invitae Variant Classification Sherloc (09022015). Collection method: clinical testing. Allele origin: germline.
Comment: In summary, the available evidence is currently insufficient to determine the role of this variant in disease. Therefore, it has been classified as a Variant of Uncertain Significance. Algorithms developed to predict the effect of missense changes on protein structure and function output the following: SIFT: "Tolerated"; PolyPhen-2: "Benign"; Align-GVGD: "Class C0". The alanine amino acid residue is found in multiple mammalian species, which suggests that this missense change does not adversely affect protein function. This variant has not been reported in the literature in individuals affected with FANCC-related conditions. This variant is not present in population databases (ExAC no frequency). This sequence change replaces valine with alanine at codon 449 of the FANCC protein (p.Val449Ala). The valine residue is moderately conserved and there is a small physicochemical difference between valine and alanine.

NM_000136.3(FANCC):c.1346T>C (p.Val449Ala)

Genes: FANCC (FA complementation group C; minus strand), AOPEP (aminopeptidase O (putative); plus strand). Cytogenetic location: 9q22.32.
Variant type: single nucleotide variant.
Coding change: c.1346T>C on transcript NM_000136.3 (MANE Select); coding-DNA position 1346, T replaced by C.
Protein change: p.Val449Ala; replaces valine 449 with alanine.
Molecular consequence: missense variant.
Genome position (GRCh38, 1-based): chr9:95,107,253, A>G on the plus strand (T>C on the coding strand, the complement: FANCC is on the minus strand). VCF-style: chr9-95107253-A-G. GRCh37 (hg19) VCF-style: chr9-97869535-A-G.
Other names: c.1346T>C, p.Val449Ala (NM_001243743.2); c.1346T>C (NM_000136.2); short protein forms V449A.
Identifiers: ClinVar variation 1429873 (VCV001429873.7), dbSNP rs2134456617, ClinGen allele CA374106260.